The following is an entry in ClinVar:

ClinVar aggregate classification (germline): Uncertain significance (1 of 4 stars; one submission).

Submission:

Ambry Genetics
Classification: Uncertain significance. Last evaluated: 2025-08-30. Review status: criteria provided, single submitter. Criteria: Ambry Variant Classification Scheme 2023. Collection method: clinical testing. Allele origin: germline.
Comment: The p.A94S variant (also known as c.280G>T), located in coding exon 1 of the WNK2 gene, results from a G to T substitution at nucleotide position 280. The alanine at codon 94 is replaced by serine, an amino acid with similar properties. This amino acid position is conserved. In addition, this alteration is predicted to be tolerated by in silico analysis. Based on the available evidence, the clinical significance of this variant remains unclear.

NM_006648.4(WNK2):c.280G>T (p.Ala94Ser)

Gene: WNK2 (WNK lysine deficient protein kinase 2; plus strand). Cytogenetic location: 9q22.31.
Variant type: single nucleotide variant.
Coding change: c.280G>T on transcript NM_006648.4 (MANE Select); coding-DNA position 280, G replaced by T.
Protein change: p.Ala94Ser; replaces alanine 94 with serine.
Molecular consequence: missense variant.
Genome position (GRCh38, 1-based): chr9:93,185,209, G>T. VCF-style: chr9-93185209-G-T. GRCh37 (hg19) VCF-style: chr9-95947491-G-T.
Other names: c.280G>T, p.Ala94Ser (NM_001282394.3); short protein forms A94S.
Identifiers: ClinVar variation 4201840 (VCV004201840.1).